The following is an entry in ClinVar:

ClinVar aggregate classification (germline): Uncertain significance (1 of 4 stars; one submission).

Allele frequency attached by ClinVar (database versions not stated): gnomAD 0.00002; gnomAD exomes 0.00002; TOPMed 0.00002; ExAC 0.00007.
gnomAD v4.1: 37 of 1,613,560 alleles (0.0023%); highest among the groups gnomAD compares: Non-Finnish European, 0.0031%; no homozygotes.

Submission:

Labcorp Genetics (formerly Invitae), Labcorp
Classification: Uncertain significance. Last evaluated: 2022-08-20. Review status: criteria provided, single submitter. Criteria: Invitae Variant Classification Sherloc (09022015). Collection method: clinical testing. Allele origin: germline.
Comment: This sequence change replaces threonine, which is neutral and polar, with alanine, which is neutral and non-polar, at codon 211 of the KIZ protein (p.Thr211Ala). This variant is present in population databases (rs763042626, gnomAD 0.03%). This variant has not been reported in the literature in individuals affected with KIZ-related conditions. Experimental studies and prediction algorithms are not available or were not evaluated, and the functional significance of this variant is currently unknown. In summary, the available evidence is currently insufficient to determine the role of this variant in disease. Therefore, it has been classified as a Variant of Uncertain Significance.

NM_018474.6(KIZ):c.631A>G (p.Thr211Ala)

Gene: KIZ (kizuna centrosomal protein; plus strand). Cytogenetic location: 20p11.23.
Variant type: single nucleotide variant.
Coding change: c.631A>G on transcript NM_018474.6 (MANE Select); coding-DNA position 631, A replaced by G.
Protein change: p.Thr211Ala; replaces threonine 211 with alanine.
Molecular consequence: missense variant.
Genome position (GRCh38, 1-based): chr20:21,162,096, A>G. VCF-style: chr20-21162096-A-G. GRCh37 (hg19) VCF-style: chr20-21142737-A-G.
Other names: c.322A>G, p.Thr108Ala (NM_001163022.3, NM_001352435.2); c.232A>G, p.Thr78Ala (NM_001163023.3); c.484A>G, p.Thr162Ala (NM_001276389.2); c.631A>G, p.Thr211Ala (NM_001352434.2); c.289A>G, p.Thr97Ala (NM_001352436.2); short protein forms T97A, T108A, T162A, T78A, T211A.
Identifiers: ClinVar variation 1911259 (VCV001911259.5), dbSNP rs763042626, ClinGen allele CA9784683.